The following is an entry in ClinVar:

NM_000051.4(ATM):c.19G>T (p.Asp7Tyr)

Gene: ATM (ATM serine/threonine kinase; plus strand). Cytogenetic location: 11q22.3.
Variant type: single nucleotide variant.
Coding change: c.19G>T on transcript NM_000051.4 (MANE Select); coding-DNA position 19, G replaced by T.
Protein change: p.Asp7Tyr; replaces aspartic acid 7 with tyrosine.
Molecular consequence: missense variant.
Genome position (GRCh38, 1-based): chr11:108,227,643, G>T. VCF-style: chr11-108227643-G-T. GRCh37 (hg19) VCF-style: chr11-108098370-G-T.
Other names: c.19G>T, p.Asp7Tyr (NM_001351834.2, NM_001351835.2, NM_001351836.2); short protein forms D7Y.
Identifiers: ClinVar variation 2743808 (VCV002743808.3), dbSNP rs2078806188, ClinGen allele CA382519006.

ClinVar aggregate classification (germline): Uncertain significance (1 of 4 stars; one submission).

Conditions:
Ataxia-telangiectasia syndrome (AT). Also called: AT, COMPLEMENTATION GROUP C; Ataxia-telangiectasia, complementation group D; ATAXIA-TELANGIECTASIA, COMPLEMENTATION GROUP A; ATAXIA-TELANGIECTASIA, FRESNO VARIANT; Ataxia-telangiectasia; Ataxia telangiectasia (A-T). Identifiers: Orphanet 100, MedGen C0004135, MONDO:0008840, OMIM 208900.

Submission:

Labcorp Genetics (formerly Invitae), Labcorp
Classification: Uncertain significance for Ataxia-telangiectasia syndrome. Last evaluated: 2023-07-16. Review status: criteria provided, single submitter. Criteria: Invitae Variant Classification Sherloc (09022015). Collection method: clinical testing. Allele origin: germline.
Comment: In summary, the available evidence is currently insufficient to determine the role of this variant in disease. Therefore, it has been classified as a Variant of Uncertain Significance. Algorithms developed to predict the effect of sequence changes on RNA splicing suggest that this variant may disrupt the consensus splice site. Advanced modeling of protein sequence and biophysical properties (such as structural, functional, and spatial information, amino acid conservation, physicochemical variation, residue mobility, and thermodynamic stability) performed at Invitae indicates that this missense variant is not expected to disrupt ATM protein function. This variant has not been reported in the literature in individuals affected with ATM-related conditions. This variant is not present in population databases (gnomAD no frequency). This sequence change replaces aspartic acid, which is acidic and polar, with tyrosine, which is neutral and polar, at codon 7 of the ATM protein (p.Asp7Tyr).